The following is an entry in ClinVar:

ClinVar aggregate classification (germline): Uncertain significance (1 of 4 stars; one submission).

Conditions:
Immunodeficiency 104. Also called: Severe combined immunodeficiency, autosomal recessive, T cell-negative, B cell-positive, NK cell-positive; Severe Combined Immune Deficiency, Autosomal Recessive, TCell -Negative, B Cell-Positive, NK Cell-Positive, IL7R-Related; IMMUNODEFICIENCY 104, SEVERE COMBINED; SCID, AUTOSOMAL RECESSIVE, T CELL-NEGATIVE, B CELL-POSITIVE, NK CELL-POSITIVE. Identifiers: MedGen C5676890, MONDO:0012163, OMIM 608971.

Submission:

Labcorp Genetics (formerly Invitae), Labcorp
Classification: Uncertain significance for Immunodeficiency 104. Last evaluated: 2022-06-18. Review status: criteria provided, single submitter. Criteria: Invitae Variant Classification Sherloc (09022015). Collection method: clinical testing. Allele origin: germline.
Comment: This sequence change replaces isoleucine, which is neutral and non-polar, with methionine, which is neutral and non-polar, at codon 91 of the IL7R protein (p.Ile91Met). In summary, the available evidence is currently insufficient to determine the role of this variant in disease. Therefore, it has been classified as a Variant of Uncertain Significance. Advanced modeling of protein sequence and biophysical properties (such as structural, functional, and spatial information, amino acid conservation, physicochemical variation, residue mobility, and thermodynamic stability) performed at Invitae indicates that this missense variant is not expected to disrupt IL7R protein function. This variant has not been reported in the literature in individuals affected with IL7R-related conditions. This variant is not present in population databases (gnomAD no frequency).

NM_002185.5(IL7R):c.273A>G (p.Ile91Met)

Gene: IL7R (interleukin 7 receptor; plus strand). Cytogenetic location: 5p13.2.
Variant type: single nucleotide variant.
Coding change: c.273A>G on transcript NM_002185.5 (MANE Select); coding-DNA position 273, A replaced by G.
Protein change: p.Ile91Met; replaces isoleucine 91 with methionine.
Molecular consequence: missense variant. On other transcripts: non-coding transcript variant (1).
Genome position (GRCh38, 1-based): chr5:35,867,357, A>G. VCF-style: chr5-35867357-A-G. GRCh37 (hg19) VCF-style: chr5-35867459-A-G.
Other names: c.273A>G, p.Ile91Met (NM_001410734.1); short protein forms I91M.
Identifiers: ClinVar variation 2102682 (VCV002102682.4), dbSNP rs2149899132, ClinGen allele CA359427929.